The following is an entry in ClinVar:

ClinVar aggregate classification (germline): Pathogenic (1 of 4 stars; one submission).

Submission:

CeGaT Center for Human Genetics Tuebingen
Classification: Pathogenic. Last evaluated: 2026-08-01. Review status: criteria provided, single submitter. Criteria: CeGaT Center For Human Genetics Tuebingen Variant Classification Criteria Version 2. Collection method: clinical testing. Allele origin: germline. Affected: yes. Observed: 2 variant alleles.
Comment: COL5A1: PVS1, PM2

NM_000093.5(COL5A1):c.943del (p.Thr315fs)

Gene: COL5A1 (collagen type V alpha 1 chain; plus strand). Cytogenetic location: 9q34.3.
Variant type: Deletion.
Coding change: c.943del on transcript NM_000093.5 (MANE Select); coding-DNA position 943, one base deleted (A; older notation c.943delA).
Protein change: p.Thr315fs; shifts the reading frame from threonine 315.
Molecular consequence: frameshift variant.
Genome position (GRCh38, 1-based): chr9:134,730,254, A deleted. VCF-style (leftmost placement, unchanged base first): chr9-134730253-CA-C. GRCh37 (hg19) VCF-style: chr9-137622099-CA-C.
Other names: c.943del, p.Thr315fs (NM_001278074.1); short protein forms T315fs.
Identifiers: ClinVar variation 5040356 (VCV005040356.1).